The following is an entry in ClinVar:

NM_000660.7(TGFB1):c.466C>T (p.Arg156Cys)

Gene: TGFB1 (transforming growth factor beta 1; minus strand). Cytogenetic location: 19q13.2.
Variant type: single nucleotide variant.
Coding change: c.466C>T on transcript NM_000660.7 (MANE Select); coding-DNA position 466, C replaced by T.
Protein change: p.Arg156Cys; replaces arginine 156 with cysteine.
Molecular consequence: missense variant.
Genome position (GRCh38, 1-based): chr19:41,348,345, G>A on the plus strand (C>T on the coding strand, the complement: TGFB1 is on the minus strand). VCF-style: chr19-41348345-G-A. GRCh37 (hg19) VCF-style: chr19-41854250-G-A.
Other names: c.466C>T (NM_000660.6); short protein forms R156C.
Identifiers: ClinVar variation 1498982 (VCV001498982.26), dbSNP rs200482214, ClinGen allele CA308515324.

ClinVar aggregate classification (germline): Conflicting classifications of pathogenicity. Review status: criteria provided, conflicting classifications (1 of 4 stars). 6 submissions from 6 submitters: Pathogenic (2); Likely pathogenic (3); Uncertain significance (1). Last evaluated 2025-08-11.

Conditions:
TGFB1-related disorder. Also called: TGFB1-related condition.

Allele frequency attached by ClinVar (database versions not stated): TOPMed 0.00001; gnomAD 0.00003.

Submissions (6):

Labcorp Genetics (formerly Invitae), Labcorp
Classification: Pathogenic. Last evaluated: 2025-08-11. Review status: criteria provided, single submitter. Criteria: Invitae Variant Classification Sherloc (09022015). Collection method: clinical testing. Allele origin: germline.
Comment: This sequence change replaces arginine, which is basic and polar, with cysteine, which is neutral and slightly polar, at codon 156 of the TGFB1 protein (p.Arg156Cys). This variant is not present in population databases (gnomAD no frequency). This missense change has been observed in individuals with autosomal dominant TGFB1-related conditions (PMID: 11260231, 15894597, 23453470, 23824952, 31899347). ClinVar contains an entry for this variant (Variation ID: 1498982). Invitae Evidence Modeling of protein sequence and biophysical properties (such as structural, functional, and spatial information, amino acid conservation, physicochemical variation, residue mobility, and thermodynamic stability) indicates that this missense variant is expected to disrupt TGFB1 protein function with a positive predictive value of 80%. Experimental studies have shown that this missense change affects TGFB1 function (PMID: 19584867). For these reasons, this variant has been classified as Pathogenic.

Greenwood Genetic Center Diagnostic Laboratories, Greenwood Genetic Center
Classification: Likely pathogenic for TGFB1-related disorder. Last evaluated: 2025-03-20. Review status: criteria provided, single submitter. Criteria: ACMG Guidelines, 2015. Collection method: clinical testing. Allele origin: germline. Affected: yes.
Comment: PS3_Supporting, PS4 (added using director discretion), PM2

CeGaT Center for Human Genetics Tuebingen
Classification: Likely pathogenic. Last evaluated: 2024-09-01. Review status: criteria provided, single submitter. Criteria: CeGaT Center For Human Genetics Tuebingen Variant Classification Criteria Version 2. Collection method: clinical testing. Allele origin: germline. Affected: yes. Observed: 1 variant allele.
Comment: TGFB1: PM2, PS4:Moderate, PP1, PS3:Supporting

GeneDx
Classification: Uncertain significance. Last evaluated: 2024-08-20. Review status: criteria provided, single submitter. Criteria: GeneDx Variant Classification Process June 2021. Collection method: clinical testing. Allele origin: germline. Affected: yes.
Comment: Identified in patients with CamuratiEngelmann disease in published literature (PMID: 31899347, 15959620); Not observed at significant frequency in large population cohorts (gnomAD); In silico analysis supports that this missense variant has a deleterious effect on protein structure/function; This variant is associated with the following publications: (PMID: 31589614, 25119113, 19584867, 31899347, 15959620, 35415221, 15894597, 11260231, 11810278, 23824952, 11426002, 23453470)

PreventionGenetics, part of Exact Sciences
Classification: Pathogenic for TGFB1-related condition. Last evaluated: 2023-06-06. Review status: criteria provided, single submitter. Criteria: ACMG Guidelines, 2015. Collection method: clinical testing. Allele origin: germline.
Comment: The TGFB1 c.466C>T variant is predicted to result in the amino acid substitution p.Arg156Cys. This variant has been reported in multiple unrelated individuals with Camurati-Engelmann disease (Hecht et al. 2001. PubMed ID: 11260231; Janssens et al. 2005. PubMed ID: 15894597; Collet et al. 2013. PubMed ID: 23824952; Savoie et al. 2013. PubMed ID: 23453470). This variant has not been reported in a large population database, indicating this variant is rare. In ClinVar, this variant has been interpreted as pathogenic/likely pathogenic. This variant is interpreted as pathogenic.

AiLife Diagnostics
Classification: Likely pathogenic. Last evaluated: 2021-06-18. Review status: criteria provided, single submitter. Criteria: ACMG Guidelines, 2015. Collection method: clinical testing. Allele origin: germline. Affected: yes. Observed: 1 variant allele.

Literature cited by the submitters: PubMed 11260231 (cited by Labcorp Genetics (formerly Invitae), Labcorp and AiLife Diagnostics); PubMed 15894597 (cited by Labcorp Genetics (formerly Invitae), Labcorp); PubMed 23453470 (cited by Labcorp Genetics (formerly Invitae), Labcorp and AiLife Diagnostics); PubMed 23824952 (cited by Labcorp Genetics (formerly Invitae), Labcorp and AiLife Diagnostics); PubMed 31899347 (cited by Labcorp Genetics (formerly Invitae), Labcorp); PubMed 19584867 (cited by Labcorp Genetics (formerly Invitae), Labcorp).